The following is an entry in ClinVar:

NM_000321.3(RB1):c.1527A>G (p.Gly509=)

Gene: RB1 (RB transcriptional corepressor 1; plus strand). Cytogenetic location: 13q14.2.
Variant type: single nucleotide variant.
Coding change: c.1527A>G on transcript NM_000321.3 (MANE Select); coding-DNA position 1527, A replaced by G.
Protein change: p.Gly509=; no amino-acid change (glycine 509 retained).
Molecular consequence: synonymous variant.
Genome position (GRCh38, 1-based): chr13:48,381,275, A>G. VCF-style: chr13-48381275-A-G. GRCh37 (hg19) VCF-style: chr13-48955411-A-G.
Identifiers: ClinVar variation 1598393 (VCV001598393.12), dbSNP rs1948533245, ClinGen allele CA483559409.

ClinVar aggregate classification (germline): Benign/Likely benign. Review status: criteria provided, multiple submitters, no conflicts (2 of 4 stars). 4 submissions from 4 submitters: Benign (1); Likely benign (3). Last evaluated 2026-06-24.

Conditions:
Retinoblastoma (RB1). Also called: RETINOBLASTOMA, SOMATIC. Identifiers: Orphanet 790, MedGen C0035335, MeSH D012175, MONDO:0008380, OMIM 180200, HP:0009919. Disease mechanism: loss of function. Inheritance: Both sporadic and heritable forms are tested..
Hereditary cancer-predisposing syndrome. Also called: Neoplastic Syndromes, Hereditary; Tumor predisposition; Hereditary Cancer Syndrome; Hereditary neoplastic syndrome. Identifiers: Orphanet 140162, MedGen C0027672, MeSH D009386, MONDO:0015356.

Allele frequency attached by ClinVar (database versions not stated): gnomAD exomes below 0.00001.
gnomAD v4.1: 3 of 1,611,132 alleles (0.00019%); highest among the groups gnomAD compares: African/African-American, 0.004%; no homozygotes.

Submissions (4):

Myriad Genetics, Inc.
Classification: Benign for Retinoblastoma. Last evaluated: 2026-06-24. Review status: criteria provided, single submitter. Criteria: Myriad Autosomal Dominant, Autosomal Recessive and X-Linked Classification Criteria (2023). Collection method: clinical testing. Allele origin: unknown.
Comment: This variant is considered benign. This variant is a silent/synonymous amino acid change and it is not expected to impact splicing.

Labcorp Genetics (formerly Invitae), Labcorp
Classification: Likely benign for Retinoblastoma. Last evaluated: 2025-10-18. Review status: criteria provided, single submitter. Criteria: Invitae Variant Classification Sherloc (09022015). Collection method: clinical testing. Allele origin: germline.

All of Us Research Program, National Institutes of Health
Classification: Likely benign for Retinoblastoma. Last evaluated: 2023-08-15. Review status: criteria provided, single submitter. Criteria: ACMG Guidelines, 2015. Collection method: clinical testing. Allele origin: germline. Inheritance: Autosomal dominant inheritance. Observed: 1 variant allele, 1 heterozygote.
Comment: This study involves interpretation of variants in research participants for the purpose of population health screening. Participant phenotype was not available at the time of variant classification. Additional details can be found in publication PMID: 35346344, PMCID: PMC8962531

Ambry Genetics
Classification: Likely benign for Hereditary cancer-predisposing syndrome. Last evaluated: 2022-07-11. Review status: criteria provided, single submitter. Criteria: Ambry Variant Classification Scheme 2023. Collection method: clinical testing. Allele origin: germline.